The following is an entry in ClinVar:

ClinVar aggregate classification (germline): Pathogenic/Likely pathogenic. Review status: criteria provided, multiple submitters, no conflicts (2 of 4 stars). 5 submissions from 5 submitters: Pathogenic (3); Likely pathogenic (2). Last evaluated 2025-05-01.

Conditions:
Cardiovascular phenotype. Identifiers: MedGen CN230736.
Hereditary cancer-predisposing syndrome. Also called: Neoplastic Syndromes, Hereditary; Tumor predisposition; Hereditary Cancer Syndrome; Hereditary neoplastic syndrome. Identifiers: Orphanet 140162, MedGen C0027672, MeSH D009386, MONDO:0015356.
NF1-related disorder. Also called: NF1-related condition. Identifiers: MedGen CN379171.
Neurofibromatosis, type 1 (NF1). Also called: VON RECKLINGHAUSEN DISEASE; NEUROFIBROMATOSIS, TYPE I, SOMATIC; Peripheral type neurofibromatosis; Neurofibromatosis, type I. Identifiers: Orphanet 636, MedGen C0027831, MONDO:0018975, OMIM 162200. Disease mechanism: loss of function.

Submissions (5):

Ambry Genetics
Classification: Pathogenic for Cardiovascular phenotype; Hereditary cancer-predisposing syndrome. Last evaluated: 2025-05-01. Review status: criteria provided, single submitter. Criteria: Ambry Variant Classification Scheme 2023. Collection method: clinical testing. Allele origin: germline.
Comment: The c.7638delC pathogenic mutation, located in coding exon 51 of the NF1 gene, results from a deletion of one nucleotide at nucleotide position 7638. This changes the amino acid from a methionine to a stop codon (p.M2548*). This variant is considered to be rare based on population cohorts in the Genome Aggregation Database (gnomAD). This alteration is expected to result in loss of function by premature protein truncation or nonsense-mediated mRNA decay. As such, this alteration is interpreted as a disease-causing mutation.

Revvity Omics, Revvity
Classification: Likely pathogenic. Last evaluated: 2024-06-06. Review status: criteria provided, single submitter. Criteria: ACMG Guidelines, 2015. Collection method: clinical testing. Allele origin: germline.

Labcorp Genetics (formerly Invitae), Labcorp
Classification: Pathogenic for Neurofibromatosis, type 1. Last evaluated: 2022-10-04. Review status: criteria provided, single submitter. Criteria: Invitae Variant Classification Sherloc (09022015). Collection method: clinical testing. Allele origin: germline.
Comment: This variant is not present in population databases (gnomAD no frequency). For these reasons, this variant has been classified as Pathogenic. ClinVar contains an entry for this variant (Variation ID: 404488). This variant has not been reported in the literature in individuals affected with NF1-related conditions. This sequence change creates a premature translational stop signal (p.Met2548*) in the NF1 gene. It is expected to result in an absent or disrupted protein product. Loss-of-function variants in NF1 are known to be pathogenic (PMID: 10712197, 23913538).

Genome-Nilou Lab
Classification: Pathogenic for Neurofibromatosis, type 1. Last evaluated: 2022-03-15. Review status: criteria provided, single submitter. Criteria: ACMG Guidelines, 2015. Collection method: clinical testing. Allele origin: germline. Affected: no.

Blueprint Genetics
Classification: Likely pathogenic for NF1-related disorders. Last evaluated: 2020-09-15. Review status: criteria provided, single submitter. Criteria: ACMG Guidelines, 2015. Collection method: clinical testing. Allele origin: germline. Affected: yes. Observed: 1 variant allele.

Literature cited by the submitters: PubMed 10712197 (cited by Labcorp Genetics (formerly Invitae), Labcorp); PubMed 23913538 (cited by Labcorp Genetics (formerly Invitae), Labcorp).

NM_001042492.3(NF1):c.7701del (p.Lys2568_Met2569insTer)

Gene: NF1 (neurofibromin 1; plus strand). Cytogenetic location: 17q11.2.
Variant type: Deletion.
Coding change: c.7701del on transcript NM_001042492.3 (MANE Select); coding-DNA position 7701, one base deleted (C; older notation c.7701delC).
Protein change: p.Lys2568_Met2569insTer.
Molecular consequence: frameshift variant. On other transcripts: nonsense (1).
Genome position (GRCh38, 1-based): chr17:31,356,545, C deleted; the last of 6 consecutive C bases (chr17:31,356,540-31,356,545); deleting any one gives the same sequence. VCF-style (leftmost placement, unchanged base first): chr17-31356539-AC-A. GRCh37 (hg19) VCF-style: chr17-29683557-AC-A.
Other names: c.7638delC (NM_000267.3); c.7638delC, p.Met2548Terfs (NM_000267.4).
Identifiers: ClinVar variation 404488 (VCV000404488.16), dbSNP rs1060500295, ClinGen allele CA16615590.